The following is an entry in ClinVar:

ClinVar aggregate classification (germline): Uncertain significance (1 of 4 stars; one submission).

Conditions:
Type 2 diabetes mellitus. Also called: Type II diabetes mellitus. Identifiers: MedGen C0011860, MeSH D003924, MONDO:0005148, OMIM 125853, HP:0005978.
Hypoinsulinemic hypoglycemia and body hemihypertrophy. Also called: Hypoinsulinemic hypoglycemia and hemihypertrophy. Identifiers: Orphanet 293964, MedGen C3278384, MONDO:0009416, OMIM 240900.

Allele frequency attached by ClinVar (database versions not stated): gnomAD exomes 0.00001 and 0.00002; gnomAD 0.00004 and 0.00005; ExAC 0.00006; 1000 Genomes Project 30x 0.00016; 1000 Genomes Project 0.00020.
gnomAD v4.1: 19 of 1,613,478 alleles (0.0012%); highest among the groups gnomAD compares: African/African-American, 0.0067%; no homozygotes.

Submission:

Labcorp Genetics (formerly Invitae), Labcorp
Classification: Uncertain significance for Hypoinsulinemic hypoglycemia and body hemihypertrophy; Type 2 diabetes mellitus. Last evaluated: 2023-03-31. Review status: criteria provided, single submitter. Criteria: Invitae Variant Classification Sherloc (09022015). Collection method: clinical testing. Allele origin: germline.
Comment: In summary, the available evidence is currently insufficient to determine the role of this variant in disease. Therefore, it has been classified as a Variant of Uncertain Significance. Algorithms developed to predict the effect of missense changes on protein structure and function output the following: SIFT: "Not Available"; PolyPhen-2: "Benign"; Align-GVGD: "Not Available". The valine amino acid residue is found in multiple mammalian species, which suggests that this missense change does not adversely affect protein function. This sequence change replaces isoleucine, which is neutral and non-polar, with valine, which is neutral and non-polar, at codon 7 of the AKT2 protein (p.Ile7Val). This variant is present in population databases (rs199748431, gnomAD 0.02%). This variant has not been reported in the literature in individuals affected with AKT2-related conditions. ClinVar contains an entry for this variant (Variation ID: 1484414).

NM_001626.6(AKT2):c.19A>G (p.Ile7Val)

Gene: AKT2 (AKT serine/threonine kinase 2; minus strand). Cytogenetic location: 19q13.2.
Variant type: single nucleotide variant.
Coding change: c.19A>G on transcript NM_001626.6 (MANE Select); coding-DNA position 19, A replaced by G.
Protein change: p.Ile7Val; replaces isoleucine 7 with valine.
Molecular consequence: missense variant. On other transcripts: intron variant (2).
Genome position (GRCh38, 1-based): chr19:40,265,249, T>C on the plus strand (A>G on the coding strand, the complement: AKT2 is on the minus strand). VCF-style: chr19-40265249-T-C. GRCh37 (hg19) VCF-style: chr19-40771156-T-C.
Other names: c.19A>G, p.Ile7Val (NM_001330511.1); c.-140-8195A>G (NM_001243028.3); c.-141+10A>G (NM_001243027.3); short protein forms I7V.
Identifiers: ClinVar variation 1484414 (VCV001484414.6), dbSNP rs199748431, ClinGen allele CA9442020.